The following is an entry in ClinVar:

NM_005546.4(ITK):c.571G>A (p.Ala191Thr)

Gene: ITK (IL2 inducible T cell kinase; plus strand). Cytogenetic location: 5q33.3.
Variant type: single nucleotide variant.
Coding change: c.571G>A on transcript NM_005546.4 (MANE Select); coding-DNA position 571, G replaced by A.
Protein change: p.Ala191Thr; replaces alanine 191 with threonine.
Molecular consequence: missense variant.
Genome position (GRCh38, 1-based): chr5:157,222,938, G>A. VCF-style: chr5-157222938-G-A. GRCh37 (hg19) VCF-style: chr5-156649948-G-A.
Other names: short protein forms A191T.
Identifiers: ClinVar variation 352463 (VCV000352463.10), dbSNP rs534229766, ClinGen allele CA3532806.
Genomic context (GRCh38, chr5:157,222,938, plus strand): 5'-CCTGAAGAAACTGTGGTCATTGCCTTATATGACTACCAAACCAATGATCCTCAGGAACTC[G>A]CACTGCGGCGCAACGAAGAGTACTGCCTGCTGGACAGTTCTGAGATTCACTGGTGGAGAG-3'
Protein context (NP_005537.3, residues 181-201): DYQTNDPQEL[Ala191Thr]LRRNEEYCLL

ClinVar aggregate classification (germline): Uncertain significance. Review status: criteria provided, multiple submitters, no conflicts (2 of 4 stars). 2 submissions from 2 submitters: Uncertain significance (2). Last evaluated 2026-01-05.

Conditions:
Lymphoproliferative syndrome 1 (LPFS1). Identifiers: Orphanet 238505, Orphanet 538963, MedGen C3552634, MONDO:0013081, OMIM 613011.

Allele frequency attached by ClinVar (database versions not stated): TOPMed 0.00006; 1000 Genomes Project 30x 0.00031; 1000 Genomes Project 0.00040.

Submissions (2):

Labcorp Genetics (formerly Invitae), Labcorp
Classification: Uncertain significance for Lymphoproliferative syndrome 1. Last evaluated: 2026-01-05. Review status: criteria provided, single submitter. Criteria: Invitae Variant Classification Sherloc (09022015). Collection method: clinical testing. Allele origin: germline.
Comment: This sequence change replaces alanine, which is neutral and non-polar, with threonine, which is neutral and polar, at codon 191 of the ITK protein (p.Ala191Thr). This variant is present in population databases (rs534229766, gnomAD 0.05%). This variant has not been reported in the literature in individuals affected with ITK-related conditions. ClinVar contains an entry for this variant (Variation ID: 352463). Invitae Evidence Modeling of protein sequence and biophysical properties (such as structural, functional, and spatial information, amino acid conservation, physicochemical variation, residue mobility, and thermodynamic stability) indicates that this missense variant is not expected to disrupt ITK protein function with a negative predictive value of 80%. In summary, the available evidence is currently insufficient to determine the role of this variant in disease. Therefore, it has been classified as a Variant of Uncertain Significance.

Illumina Laboratory Services, Illumina
Classification: Uncertain significance for Lymphoproliferative syndrome 1. Last evaluated: 2018-01-13. Review status: criteria provided, single submitter. Criteria: ICSL Variant Classification Criteria 13 December 2019. Collection method: clinical testing. Allele origin: germline.